The following is an entry in ClinVar:

ClinVar aggregate classification (germline): Benign (1 of 4 stars; one submission).

Conditions:
Palmoplantar keratoderma-esophageal carcinoma syndrome (TOC). Also called: KERATOSIS PALMARIS ET PLANTARIS WITH ESOPHAGEAL CANCER; PALMOPLANTAR KERATODERMA WITH ESOPHAGEAL CANCER; Tylosis with Esophageal Cancer. Identifiers: Orphanet 2198, MedGen C1835664, MONDO:0007856, OMIM 148500.

Allele frequency attached by ClinVar (database versions not stated): gnomAD 0.01698 and 0.01811; gnomAD exomes 0.00893; TOPMed 0.02058; 1000 Genomes Project 30x 0.02061; 1000 Genomes Project 0.02037.
gnomAD v4.1: 2,571 of 152,346 alleles (1.7%); highest among the groups gnomAD compares: African/African-American, 5.6%; 79 homozygotes.

Submission:

Illumina Laboratory Services, Illumina
Classification: Benign for Palmoplantar keratoderma-esophageal carcinoma syndrome. Last evaluated: 2018-01-12. Review status: criteria provided, single submitter. Criteria: ICSL Variant Classification Criteria 13 December 2019. Collection method: clinical testing. Allele origin: germline.
Comment: This variant was observed in the ICSL laboratory as part of a predisposition screen in an ostensibly healthy population. It had not been previously curated by ICSL or reported in the Human Gene Mutation Database (HGMD: prior to June 1st, 2018), and was therefore a candidate for classification through an automated scoring system. Utilizing variant allele frequency, disease prevalence and penetrance estimates, and inheritance mode, an automated score was calculated to assess if this variant is too frequent to cause the disease. Based on the score and internal cut-off values, a variant classified as benign is not then subjected to further curation. The score for this variant resulted in a classification of benign for this disease.

NM_001005498.4(RHBDF2):c.-115G>A

Gene: RHBDF2 (rhomboid 5 homolog 2; minus strand). Cytogenetic location: 17q25.1.
Variant type: single nucleotide variant.
Coding change: c.-115G>A on transcript NM_001005498.4 (MANE Select); 115 bases upstream of the start codon, G replaced by A.
Molecular consequence: 5 prime UTR variant. On other transcripts: non-coding transcript variant (3).
Genome position (GRCh38, 1-based): chr17:76,487,805, C>T on the plus strand (G>A on the coding strand, the complement: RHBDF2 is on the minus strand). VCF-style: chr17-76487805-C-T. GRCh37 (hg19) VCF-style: chr17-74483887-C-T.
Other names: c.-115G>A (NM_001376228.1, NM_001376229.1, NM_024599.5); c.-327G>A (NM_001376230.1).
Identifiers: ClinVar variation 325470 (VCV000325470.5), dbSNP rs73998928, ClinGen allele CA10650267.
Genomic context (GRCh38, chr17:76,487,805, plus strand): 5'-TCTTGCTGTGAAGGGCTTTAGAGCATGTTCTTGTCTTCTCCTTGCTCTGTACAGATGCTC[C>T]GGTGTCAAGCCTCAGTCTGTGGAAGGGTGGCTGGACAGACAGGTGGCTGGAAGGACAGAT-3'